The following is an entry in ClinVar:

ClinVar aggregate classification (germline): Likely benign. Review status: criteria provided, multiple submitters, no conflicts (2 of 4 stars). 2 submissions from 2 submitters: Likely benign (2). Last evaluated 2018-01-13.

Conditions:
NAFLD1 (FLD1). Also called: FATTY LIVER DISEASE, SUSCEPTIBILITY TO, 1; Fatty liver disease, nonalcoholic 1. Identifiers: MedGen C2750440, MONDO:0021105, OMIM 613282.

Allele frequency attached by ClinVar (database versions not stated): 1000 Genomes Project 0.00200; 1000 Genomes Project 30x 0.00359; ESP Exome Variant Server 0.00568; gnomAD exomes 0.00642 and 0.00944; gnomAD 0.00702 and 0.00742; TOPMed 0.00737; ExAC 0.01232.
gnomAD v4.1: 13,437 of 1,461,344 alleles (0.92%); highest among the groups gnomAD compares: Non-Finnish European, 1.1%; 84 homozygotes.

Submissions (2):

Illumina Laboratory Services, Illumina
Classification: Likely benign for NAFLD1. Last evaluated: 2018-01-13. Review status: criteria provided, single submitter. Criteria: ICSL Variant Classification Criteria 13 December 2019. Collection method: clinical testing. Allele origin: germline.
Comment: This variant was observed in the ICSL laboratory as part of a predisposition screen in an ostensibly healthy population. It had not been previously curated by ICSL or reported in the Human Gene Mutation Database (HGMD: prior to June 1st, 2018), and was therefore a candidate for classification through an automated scoring system. Utilizing variant allele frequency, disease prevalence and penetrance estimates, and inheritance mode, an automated score was calculated to assess if this variant is too frequent to cause the disease. Based on the score and internal cut-off values, a variant classified as likely benign is not then subjected to further curation. The score for this variant resulted in a classification of likely benign for this disease.

Breakthrough Genomics
Classification: Likely benign. Review status: criteria provided, single submitter. Criteria: ACMG Guidelines, 2015. Collection method: not provided. Allele origin: germline. Inheritance: Unknown mechanism. Affected: yes.

NM_025225.3(PNPLA3):c.-40C>G

Gene: PNPLA3 (patatin like domain 3, 1-acylglycerol-3-phosphate O-acyltransferase; plus strand). Cytogenetic location: 22q13.31.
Variant type: single nucleotide variant.
Coding change: c.-40C>G on transcript NM_025225.3 (MANE Select); 40 bases upstream of the start codon, C replaced by G.
Molecular consequence: 5 prime UTR variant.
Genome position (GRCh38, 1-based): chr22:43,923,872, C>G. VCF-style: chr22-43923872-C-G. GRCh37 (hg19) VCF-style: chr22-44319752-C-G.
Identifiers: ClinVar variation 341925 (VCV000341925.6), dbSNP rs144821153, ClinGen allele CA10277746.
Genomic context (GRCh38, chr22:43,923,872, plus strand): 5'-GCTTGCGGGCGCCGGGCGGAGCTGCTGCGGATCAGGACCCGAGCCGATTCCCGATCCCGA[C>G]CCAGATCCTAACCCGCGCCCCCGCCCCGCCGCCGCCGCCATGTACGACGCAGAGCGCGGC-3'